The following is an entry in ClinVar:

NM_001144967.3(NEDD4L):c.2401A>C (p.Asn801His)

Gene: NEDD4L (NEDD4 like E3 ubiquitin protein ligase; plus strand). Cytogenetic location: 18q21.31.
Variant type: single nucleotide variant.
Coding change: c.2401A>C on transcript NM_001144967.3 (MANE Select); coding-DNA position 2401, A replaced by C.
Protein change: p.Asn801His; replaces asparagine 801 with histidine.
Molecular consequence: missense variant.
Genome position (GRCh38, 1-based): chr18:58,383,294, A>C. VCF-style: chr18-58383294-A-C. GRCh37 (hg19) VCF-style: chr18-56050526-A-C.
Other names: c.2038A>C, p.Asn680His (NM_001144964.1, NM_001144965.2, NM_001144966.3); c.2377A>C, p.Asn793His (NM_001144968.2); c.2317A>C, p.Asn773His (NM_001144969.2); c.1978A>C, p.Asn660His (NM_001144970.3, NM_001144971.2); c.2209A>C, p.Asn737His (NM_001243960.2); c.2341A>C, p.Asn781His (NM_015277.6); short protein forms N793H, N801H, N737H, N781H, N660H, N680H, N773H.
Identifiers: ClinVar variation 2782837 (VCV002782837.3), dbSNP rs2518229939, ClinGen allele CA402555161.

ClinVar aggregate classification (germline): Uncertain significance (1 of 4 stars; one submission).

Submission:

Labcorp Genetics (formerly Invitae), Labcorp
Classification: Uncertain significance. Last evaluated: 2023-02-28. Review status: criteria provided, single submitter. Criteria: Invitae Variant Classification Sherloc (09022015). Collection method: clinical testing. Allele origin: germline.
Comment: Advanced modeling of protein sequence and biophysical properties (such as structural, functional, and spatial information, amino acid conservation, physicochemical variation, residue mobility, and thermodynamic stability) performed at Invitae indicates that this missense variant is not expected to disrupt NEDD4L protein function. In summary, the available evidence is currently insufficient to determine the role of this variant in disease. Therefore, it has been classified as a Variant of Uncertain Significance. This variant has not been reported in the literature in individuals affected with NEDD4L-related conditions. This variant is not present in population databases (gnomAD no frequency). This sequence change replaces asparagine, which is neutral and polar, with histidine, which is basic and polar, at codon 781 of the NEDD4L protein (p.Asn781His).